The following is an entry in ClinVar:

NM_001127222.2(CACNA1A):c.3006_3007delinsCT (p.Arg1002_Arg1003delinsSerTer)

Gene: CACNA1A (calcium voltage-gated channel subunit alpha1 A; minus strand). Cytogenetic location: 19p13.13.
Variant type: Indel.
Coding change: c.3006_3007delinsCT on transcript NM_001127222.2 (MANE Select); coding-DNA positions 3006 to 3007, GA replaced by CT.
Protein change: p.Arg1002_Arg1003delinsSerTer.
Molecular consequence: nonsense.
Genome position (GRCh38, 1-based): chr19:13,298,626-13,298,627, TC replaced by AG on the plus strand (GA replaced by CT on the coding strand, the reverse complement: CACNA1A is on the minus strand). VCF-style: chr19-13298626-TC-AG. GRCh37 (hg19) VCF-style: chr19-13409440-TC-AG.
Other names: c.3018_3019delinsCT, p.Arg1006_Arg1007delinsSerTer (NM_000068.4, NM_023035.3); c.3009_3010delinsCT, p.Arg1003_Arg1004delinsSerTer (NM_001127221.2, NM_001174080.2).
Identifiers: ClinVar variation 1075959 (VCV001075959.9), dbSNP rs2144952476, ClinGen allele CA2499225394.
Genomic context (GRCh38, chr19:13,298,626, plus strand): 5'-CCTTGTCCTCCCTCCGCGCGTCCCCCTCGTACGTGGCTGGAGCGCCATGCCGGTGCCTTC[TC>AG]CTGCGCTCGCCCCCGTCGGGGCCCTCGCCCTCGCCCTCGCCGCCCCGGGCCGGCCGGCTG-3'

ClinVar aggregate classification (germline): Pathogenic (1 of 4 stars; one submission).

Conditions:
Developmental and epileptic encephalopathy, 42 (DEE42A). Also called: DEVELOPMENTAL AND EPILEPTIC ENCEPHALOPATHY 42A; EPILEPTIC ENCEPHALOPATHY, EARLY INFANTILE, 42A; Epileptic encephalopathy, early infantile, 42. Identifiers: MedGen C4310716, MONDO:0014917, OMIM 617106.
Episodic ataxia type 2 (EA2). Also called: EPISODIC ATAXIA, NYSTAGMUS-ASSOCIATED; ACETAZOLAMIDE-RESPONSIVE HEREDITARY PAROXYSMAL CEREBELLAR ATAXIA; ATAXIA, EPISODIC, WITH NYSTAGMUS; ATAXIA, FAMILIAL PAROXYSMAL; CEREBELLAR ATAXIA, PAROXYSMAL, ACETAZOLAMIDE-RESPONSIVE; CEREBELLOPATHY, HEREDITARY PAROXYSMAL. Identifiers: Orphanet 97, MedGen C1720416, MONDO:0007163, OMIM 108500.

Submission:

Labcorp Genetics (formerly Invitae), Labcorp
Classification: Pathogenic for Developmental and epileptic encephalopathy, 42; Episodic ataxia type 2. Last evaluated: 2020-02-21. Review status: criteria provided, single submitter. Criteria: Invitae Variant Classification Sherloc (09022015). Collection method: clinical testing. Allele origin: germline.
Comment: This sequence change creates a premature translational stop signal (p.Arg1003_Arg1004delinsSer*) in the CACNA1A gene. It is expected to result in an absent or disrupted protein product. This variant is not present in population databases (ExAC no frequency). This variant has not been reported in the literature in individuals with CACNA1A-related conditions. Loss-of-function variants in CACNA1A are known to be pathogenic (PMID: 10371528, 19486177, 25735478, 27250579). For these reasons, this variant has been classified as Pathogenic.

Literature cited by the submitters: PubMed 10371528; PubMed 19486177; PubMed 25735478; PubMed 27250579.